The following is an entry in ClinVar:

ClinVar aggregate classification (germline): Uncertain significance (1 of 4 stars; one submission).

Submission:

Women's Health and Genetics/Laboratory Corporation of America, LabCorp
Classification: Uncertain significance. Last evaluated: 2021-10-30. Review status: criteria provided, single submitter. Criteria: LabCorp Variant Classification Summary - May 2015. Collection method: clinical testing. Allele origin: germline.
Comment: Variant summary: ALMS1 c.12445C>T (refseq c.12451C>T; GRCh37, 2:73835687C>T ) (p.Gln4149X) results in a premature termination codon, predicted to cause a truncation of the encoded protein or absence of the protein due to nonsense mediated decay, which are commonly known mechanisms for disease. Truncations downstream of this position have not been classified as pathogenic by our laboratory or reported in the HGMD database. The variant was absent in 249490 control chromosomes. The available data on variant occurrences in the general population are insufficient to allow any conclusion about variant significance. To our knowledge, no occurrence of c.12445C>T in individuals affected with Alstrom Syndrome and no experimental evidence demonstrating its impact on protein function have been reported. No clinical diagnostic laboratories have submitted clinical-significance assessments for this variant to ClinVar after 2014. Based on the evidence outlined above, the variant was classified as uncertain significance.

NM_001378454.1(ALMS1):c.12448C>T (p.Gln4150Ter)

Gene: ALMS1 (ALMS1 centrosome and basal body associated protein; plus strand). Cytogenetic location: 2p13.1.
Variant type: single nucleotide variant.
Coding change: c.12448C>T on transcript NM_001378454.1 (MANE Select); coding-DNA position 12448, C replaced by T.
Protein change: p.Gln4150Ter; replaces glutamine 4150 with a stop codon.
Molecular consequence: nonsense.
Genome position (GRCh38, 1-based): chr2:73,608,560, C>T. VCF-style: chr2-73608560-C-T. GRCh37 (hg19) VCF-style: chr2-73835687-C-T.
Other names: c.12451C>T, p.Gln4151Ter (NM_015120.4); short protein forms Q4150*, Q4151*.
Identifiers: ClinVar variation 1321446 (VCV001321446.1), dbSNP rs2104216417, ClinGen allele CA347275329.